The following is an entry in ClinVar:

ClinVar aggregate classification (germline): Uncertain significance. Review status: criteria provided, multiple submitters, no conflicts (2 of 4 stars). 3 submissions from 3 submitters: Uncertain significance (3). Last evaluated 2022-09-01.

Conditions:
LAMA2-related muscular dystrophy (LAMA2-RD). Also called: Laminin alpha 2-related dystrophy. Identifiers: MedGen C5679788, MONDO:0100228.
Merosin deficient congenital muscular dystrophy (MDC1A). Also called: Congenital merosin-deficient muscular dystrophy 1A; Congenital Muscular Dystrophy Type 1A (MDC1A). Identifiers: Orphanet 258, MedGen C1263858, MONDO:0011925, OMIM 607855.
Muscular dystrophy, limb-girdle, autosomal recessive 23. Identifiers: Orphanet 565837, MedGen C4748327, MONDO:0029136, OMIM 618138.

Allele frequency attached by ClinVar (database versions not stated): ExAC 0.00003; gnomAD exomes 0.00003 and 0.00004; TOPMed 0.00003.
gnomAD v4.1: 56 of 1,612,116 alleles (0.0035%); highest among the groups gnomAD compares: Non-Finnish European, 0.0045%; no homozygotes.

Submissions (3):

Labcorp Genetics (formerly Invitae), Labcorp
Classification: Uncertain significance for LAMA2-related muscular dystrophy. Last evaluated: 2022-09-01. Review status: criteria provided, single submitter. Criteria: Invitae Variant Classification Sherloc (09022015). Collection method: clinical testing. Allele origin: germline.
Comment: This sequence change replaces alanine, which is neutral and non-polar, with threonine, which is neutral and polar, at codon 238 of the LAMA2 protein (p.Ala238Thr). This variant is present in population databases (rs779975082, gnomAD 0.004%). This missense change has been observed in individual(s) with clinical features of congenital muscular dystrophy (PMID: 31983221). ClinVar contains an entry for this variant (Variation ID: 571211). Advanced modeling of protein sequence and biophysical properties (such as structural, functional, and spatial information, amino acid conservation, physicochemical variation, residue mobility, and thermodynamic stability) performed at Invitae indicates that this missense variant is not expected to disrupt LAMA2 protein function. In summary, the available evidence is currently insufficient to determine the role of this variant in disease. Therefore, it has been classified as a Variant of Uncertain Significance.

Fulgent Genetics
Classification: Uncertain significance for Merosin deficient congenital muscular dystrophy; Muscular dystrophy, limb-girdle, autosomal recessive 23. Last evaluated: 2021-08-12. Review status: criteria provided, single submitter. Criteria: ACMG Guidelines, 2015. Collection method: clinical testing. Allele origin: unknown.

Revvity Omics, Revvity
Classification: Uncertain significance. Last evaluated: 2019-03-29. Review status: criteria provided, single submitter. Criteria: ACMG Guidelines, 2015. Collection method: clinical testing. Allele origin: germline.

Literature cited by the submitters: PubMed 31983221 (cited by Labcorp Genetics (formerly Invitae), Labcorp).

NM_000426.4(LAMA2):c.712G>A (p.Ala238Thr)

Gene: LAMA2 (laminin subunit alpha 2; plus strand). Cytogenetic location: 6q22.33.
Variant type: single nucleotide variant.
Coding change: c.712G>A on transcript NM_000426.4 (MANE Select); coding-DNA position 712, G replaced by A.
Protein change: p.Ala238Thr; replaces alanine 238 with threonine.
Molecular consequence: missense variant.
Genome position (GRCh38, 1-based): chr6:129,143,973, G>A. VCF-style: chr6-129143973-G-A. GRCh37 (hg19) VCF-style: chr6-129465118-G-A.
Other names: c.712G>A, p.Ala238Thr (NM_001079823.2); short protein forms A238T.
Identifiers: ClinVar variation 571211 (VCV000571211.9), dbSNP rs779975082, ClinGen allele CA3992406.
Genomic context (GRCh38, chr6:129,143,973, plus strand): 5'-TTAATCAATGGGAGACCAAGTGCCGATGATCCTTCTCCAGAACTGCTAGAATTTACCTCC[G>A]CTCGCTATATTCGCCTGAGATTTCAGAGGATCCGCACACTGAATGCTGACTTGATGATGT-3'
Protein context (NP_000417.3, residues 228-248): PSPELLEFTS[Ala238Thr]RYIRLRFQRI